The following is an entry in ClinVar:

ClinVar aggregate classification (germline): Benign/Likely benign. Review status: criteria provided, multiple submitters, no conflicts (2 of 4 stars). 4 submissions from 4 submitters: Benign (2); Likely benign (2). Last evaluated 2026-01-17.

Conditions:
Palmoplantar keratoderma-esophageal carcinoma syndrome (TOC). Also called: PALMOPLANTAR KERATODERMA WITH ESOPHAGEAL CANCER; KERATOSIS PALMARIS ET PLANTARIS WITH ESOPHAGEAL CANCER; Tylosis with Esophageal Cancer. Identifiers: Orphanet 2198, MedGen C1835664, MONDO:0007856, OMIM 148500.

Allele frequency attached by ClinVar (database versions not stated): ESP Exome Variant Server 0.00062; TOPMed 0.00084; 1000 Genomes Project 30x 0.00094; 1000 Genomes Project 0.00120; gnomAD 0.00244 and 0.00257; ExAC 0.00268; gnomAD exomes 0.00283.
gnomAD v4.1: 2,089 of 1,611,462 alleles (0.13%); highest among the groups gnomAD compares: East Asian, 0.19%; 18 homozygotes.

Submissions (5):

Labcorp Genetics (formerly Invitae), Labcorp
Classification: Benign. Last evaluated: 2026-01-17. Review status: criteria provided, single submitter. Criteria: Invitae Variant Classification Sherloc (09022015). Collection method: clinical testing. Allele origin: germline.

Blueprint Genetics
Classification: Likely benign. Last evaluated: 2024-10-04. Review status: criteria provided, single submitter. Criteria: ACMG Guidelines, 2015. Collection method: clinical testing. Allele origin: germline.

KCCC/NGS Laboratory, Kuwait Cancer Control Center
Classification: Likely benign for Palmoplantar keratoderma-esophageal carcinoma syndrome. Last evaluated: 2023-07-07. Review status: criteria provided, single submitter. Criteria: ACMG Guidelines, 2015. Collection method: clinical testing. Allele origin: germline. Affected: yes.

Illumina Laboratory Services, Illumina
Classification: Benign for Palmoplantar keratoderma-esophageal carcinoma syndrome. Last evaluated: 2018-01-13. Review status: criteria provided, single submitter. Criteria: ICSL Variant Classification Criteria 13 December 2019. Collection method: clinical testing. Allele origin: germline.
Comment: This variant was observed in the ICSL laboratory as part of a predisposition screen in an ostensibly healthy population. It had not been previously curated by ICSL or reported in the Human Gene Mutation Database (HGMD: prior to June 1st, 2018), and was therefore a candidate for classification through an automated scoring system. Utilizing variant allele frequency, disease prevalence and penetrance estimates, and inheritance mode, an automated score was calculated to assess if this variant is too frequent to cause the disease. Based on the score and internal cut-off values, a variant classified as benign is not then subjected to further curation. The score for this variant resulted in a classification of benign for this disease.

Dr. Peter K. Rogan Lab, Western University
No classification provided (evidence only). Condition: Lung cancer. Review status: no classification provided. Collection method: in vitro. Allele origin: not applicable. Functional consequence: retained intron. Not counted in ClinVar's aggregate classification.

NM_001005498.4(RHBDF2):c.1809+7C>T

Gene: RHBDF2 (rhomboid 5 homolog 2; minus strand). Cytogenetic location: 17q25.1.
Variant type: single nucleotide variant.
Coding change: c.1809+7C>T on transcript NM_001005498.4 (MANE Select); 7 bases into the intron after coding-DNA position 1809, C replaced by T.
Molecular consequence: intron variant.
Genome position (GRCh38, 1-based): chr17:76,473,245, G>A on the plus strand (C>T on the coding strand, the complement: RHBDF2 is on the minus strand). VCF-style: chr17-76473245-G-A. GRCh37 (hg19) VCF-style: chr17-74469327-G-A.
Other names: c.1896+7C>T (NM_024599.5); c.1809+7C>T (NM_001376230.1, NM_001376228.1, NM_001376229.1).
Identifiers: ClinVar variation 325429 (VCV000325429.15), dbSNP rs200007588, ClinGen allele CA8786848.
Genomic context (GRCh38, chr17:76,473,245, plus strand): 5'-CCCGGCCCCAGCAGGCTGCCATGCCCAGCGTCCTCTCCTCCACTACTCCAGGCCTGCCTC[G>A]CCTCACCTGGGAGCAGAGTGTTGCTTCCTCATGGAAATAGCCGTGCATGAACTCACAGTA-3'